The following is an entry in ClinVar:

ClinVar aggregate classification (germline): Uncertain significance (1 of 4 stars; one submission).

Conditions:
Retinitis pigmentosa 71 (RP71). Identifiers: Orphanet 791, MedGen C4225342, MONDO:0014618, OMIM 616394.
Short-rib thoracic dysplasia 10 with or without polydactyly (SRTD10). Identifiers: Orphanet 474, MedGen C3810175, MONDO:0014284, OMIM 615630.

Submission:

Labcorp Genetics (formerly Invitae), Labcorp
Classification: Uncertain significance for Retinitis pigmentosa 71; Short-rib thoracic dysplasia 10 with or without polydactyly. Last evaluated: 2022-06-07. Review status: criteria provided, single submitter. Criteria: Invitae Variant Classification Sherloc (09022015). Collection method: clinical testing. Allele origin: germline.
Comment: In summary, the available evidence is currently insufficient to determine the role of this variant in disease. Therefore, it has been classified as a Variant of Uncertain Significance. Algorithms developed to predict the effect of missense changes on protein structure and function (SIFT, PolyPhen-2, Align-GVGD) all suggest that this variant is likely to be tolerated. This variant has not been reported in the literature in individuals affected with IFT172-related conditions. This variant is not present in population databases (gnomAD no frequency). This sequence change replaces alanine, which is neutral and non-polar, with proline, which is neutral and non-polar, at codon 794 of the IFT172 protein (p.Ala794Pro).

NM_015662.3(IFT172):c.2380G>C (p.Ala794Pro)

Gene: IFT172 (intraflagellar transport 172; minus strand). Cytogenetic location: 2p23.3.
Variant type: single nucleotide variant.
Coding change: c.2380G>C on transcript NM_015662.3 (MANE Select); coding-DNA position 2380, G replaced by C.
Protein change: p.Ala794Pro; replaces alanine 794 with proline.
Molecular consequence: missense variant.
Genome position (GRCh38, 1-based): chr2:27,461,331, C>G on the plus strand (G>C on the coding strand, the complement: IFT172 is on the minus strand). VCF-style: chr2-27461331-C-G. GRCh37 (hg19) VCF-style: chr2-27684198-C-G.
Other names: c.2314G>C, p.Ala772Pro (NM_001410739.1); short protein forms A772P, A794P.
Identifiers: ClinVar variation 2003049 (VCV002003049.4), dbSNP rs1666647502, ClinGen allele CA346384130.
Genomic context (GRCh38, chr2:27,461,331, plus strand): 5'-TTTCGTAGAGTTCCCCCTTGATAAGGGCTGCAGTGATGTGTTCTACCAGCTCTGTGTTGG[C>G]TAGCAGTTCCTCTCGGGTCAGCACCAGCCGAGCAGCTTTGGCAGGGAGCCCAGCTTTGAG-3'
Protein context (NP_056477.1, residues 784-804): RLVLTREELL[Ala794Pro]NTELVEHITA